The following is an entry in ClinVar:

ClinVar aggregate classification (germline): Uncertain significance (1 of 4 stars; one submission).

Submission:

Greenwood Genetic Center Diagnostic Laboratories, Greenwood Genetic Center
Classification: Uncertain significance. Last evaluated: 2022-09-29. Review status: criteria provided, single submitter. Criteria: ACMG Guidelines, 2015. Collection method: clinical testing. Allele origin: germline. Affected: yes.
Comment: PM2

NM_001348716.2(KDM6B):c.1337_1341delinsTTGTG (p.Arg446_Lys447delinsLeuVal)

Gene: KDM6B (lysine demethylase 6B; plus strand). Cytogenetic location: 17p13.1.
Variant type: Indel.
Coding change: c.1337_1341delinsTTGTG on transcript NM_001348716.2 (MANE Select); coding-DNA positions 1337 to 1341, GGAAA replaced by TTGTG.
Protein change: p.Arg446_Lys447delinsLeuVal.
Molecular consequence: missense variant.
Genome position (GRCh38, 1-based): chr17:7,847,625-7,847,629, GGAAA replaced by TTGTG. VCF-style: chr17-7847625-GGAAA-TTGTG. GRCh37 (hg19) VCF-style: chr17-7750943-GGAAA-TTGTG.
Other names: c.1337_1341delinsTTGTG, p.Arg446_Lys447delinsLeuVal (NM_001080424.2).
Identifiers: ClinVar variation 1710430 (VCV001710430.3), dbSNP rs2544524561, ClinGen allele CA2580094848.
Genomic context (GRCh38, chr17:7,847,625, plus strand): 5'-AAACTCCCGCGCTGGAGGTCTCTCACCATGGCCGCCTGGGGCCCTCGGCACACAGCAGTC[GGAAA>TTGTG]CCGTTCTTGGGGGCTCCCGCTGCCACTCCCCACCTATCCCTGCCACCTGGACCTTCCTCA-3'